The following is an entry in ClinVar:

ClinVar aggregate classification (germline): Likely benign. Review status: criteria provided, single submitter (1 of 4 stars). 2 submissions from 2 submitters: Likely benign (1). 1 of the submissions does not count toward it. Last evaluated 2023-09-25.

Conditions:
WDPCP-related disorder. Also called: WDPCP-related condition.

Submissions (2):

Blueprint Genetics
Classification: Likely benign. Last evaluated: 2023-09-25. Review status: criteria provided, single submitter. Criteria: ACMG Guidelines, 2015. Collection method: clinical testing. Allele origin: germline.

PreventionGenetics, part of Exact Sciences
Classification: Likely benign for WDPCP-related condition. Last evaluated: 2024-09-11. Review status: no assertion criteria provided. Collection method: clinical testing. Allele origin: germline. Not counted in ClinVar's aggregate classification.
Comment: This variant is classified as likely benign based on ACMG/AMP sequence variant interpretation guidelines (Richards et al. 2015 PMID: 25741868, with internal and published modifications).

NM_015910.7(WDPCP):c.75+7C>T

Gene: WDPCP (WD repeat containing planar cell polarity effector; minus strand). Cytogenetic location: 2p15.
Variant type: single nucleotide variant.
Coding change: c.75+7C>T on transcript NM_015910.7 (MANE Select); 7 bases into the intron after coding-DNA position 75, C replaced by T.
Molecular consequence: intron variant.
Genome position (GRCh38, 1-based): chr2:63,588,190, G>A on the plus strand (C>T on the coding strand, the complement: WDPCP is on the minus strand). VCF-style: chr2-63588190-G-A. GRCh37 (hg19) VCF-style: chr2-63815324-G-A.
Other names: c.-250+7C>T (NM_001354044.2); c.75+7C>T (NM_001354045.2).
Identifiers: ClinVar variation 3348873 (VCV003348873.2).